The following is an entry in ClinVar:

ClinVar aggregate classification (germline): Uncertain significance (1 of 4 stars; one submission).

Conditions:
Epidermolysis bullosa simplex 5B, with muscular dystrophy (EBS5B). Also called: EPIDERMOLYSIS BULLOSA SIMPLEX AND LIMB-GIRDLE MUSCULAR DYSTROPHY; Epidermolysis bullosa simplex with muscular dystrophy. Identifiers: Orphanet 257, MedGen C2931072, MONDO:0009181, OMIM 226670.
Epidermolysis bullosa simplex, Ogna type (EBS5A). Also called: EPIDERMOLYSIS BULLOSA SIMPLEX 5A, OGNA TYPE; Pidermolysis bullosa simplex 5A, Ogna type. Identifiers: Orphanet 79401, MedGen C0432317, MONDO:0007555, OMIM 131950.
Epidermolysis bullosa simplex 5C, with pyloric atresia (EBS5C). Also called: Epidermolysis bullosa simplex with pyloric atresia; PLEC-Related Epidermolysis Bullosa with Pyloric Atresia; PLEC1-Related Epidermolysis Bullosa with Pyloric Atresia. Identifiers: Orphanet 158684, MedGen C2677349, MONDO:0012807, OMIM 612138.
Autosomal recessive limb-girdle muscular dystrophy type 2Q (LGMDR17). Also called: MUSCULAR DYSTROPHY, LIMB-GIRDLE, AUTOSOMAL RECESSIVE 17. Identifiers: Orphanet 254361, MedGen C3150989, MONDO:0013390, OMIM 613723.
Epidermolysis bullosa simplex with nail dystrophy (EBS5D). Identifiers: MedGen C4225309, MONDO:0014661, OMIM 616487.

Allele frequency attached by ClinVar (database versions not stated): gnomAD exomes below 0.00001.
gnomAD v4.1: 5 of 1,560,812 alleles (0.00032%); highest among the groups gnomAD compares: Non-Finnish European, 0.00043%; no homozygotes.

Submission:

Labcorp Genetics (formerly Invitae), Labcorp
Classification: Uncertain significance for Autosomal recessive limb-girdle muscular dystrophy type 2Q; Epidermolysis bullosa simplex, Ogna type; Epidermolysis bullosa simplex with nail dystrophy; Epidermolysis bullosa simplex 5C, with pyloric atresia; Epidermolysis bullosa simplex 5B, with muscular dystrophy. Last evaluated: 2020-08-03. Review status: criteria provided, single submitter. Criteria: Invitae Variant Classification Sherloc (09022015). Collection method: clinical testing. Allele origin: germline.
Comment: In summary, the available evidence is currently insufficient to determine the role of this variant in disease. Therefore, it has been classified as a Variant of Uncertain Significance. Algorithms developed to predict the effect of missense changes on protein structure and function are either unavailable or do not agree on the potential impact of this missense change (SIFT: "Deleterious"; PolyPhen-2: "Not Available"; Align-GVGD: "Class C65"). This variant has not been reported in the literature in individuals with PLEC-related conditions. The frequency data for this variant in the population databases is considered unreliable, as metrics indicate insufficient coverage at this position in the ExAC database. This sequence change replaces glutamic acid with glycine at codon 1659 of the PLEC protein (p.Glu1659Gly). The glutamic acid residue is highly conserved and there is a moderate physicochemical difference between glutamic acid and glycine.

NM_201384.3(PLEC):c.4895A>G (p.Glu1632Gly)

Gene: PLEC (plectin; minus strand). Cytogenetic location: 8q24.3.
Variant type: single nucleotide variant.
Coding change: c.4895A>G on transcript NM_201384.3 (MANE Select); coding-DNA position 4895, A replaced by G.
Protein change: p.Glu1632Gly; replaces glutamic acid 1632 with glycine.
Molecular consequence: missense variant.
Genome position (GRCh38, 1-based): chr8:143,925,034, T>C on the plus strand (A>G on the coding strand, the complement: PLEC is on the minus strand). VCF-style: chr8-143925034-T-C. GRCh37 (hg19) VCF-style: chr8-144999202-T-C.
Other names: c.4976A>G, p.Glu1659Gly (NM_000445.5); c.4853A>G, p.Glu1618Gly (NM_201378.4); c.4829A>G, p.Glu1610Gly (NM_201379.3); c.5306A>G, p.Glu1769Gly (NM_201380.4); c.4799A>G, p.Glu1600Gly (NM_201381.3); c.4895A>G, p.Glu1632Gly (NM_201382.4); c.4907A>G, p.Glu1636Gly (NM_201383.3); short protein forms E1600G, E1610G, E1618G, E1632G, E1636G, E1659G, E1769G.
Identifiers: ClinVar variation 1018340 (VCV001018340.5), dbSNP rs1824483274, ClinGen allele CA372551876.